The following is an entry in ClinVar:

NM_001429.4(EP300):c.734G>A (p.Gly245Glu)

Gene: EP300 (EP300 lysine acetyltransferase; plus strand). Cytogenetic location: 22q13.2.
Variant type: single nucleotide variant.
Coding change: c.734G>A on transcript NM_001429.4 (MANE Select); coding-DNA position 734, G replaced by A.
Protein change: p.Gly245Glu; replaces glycine 245 with glutamic acid.
Molecular consequence: missense variant.
Genome position (GRCh38, 1-based): chr22:41,125,868, G>A. VCF-style: chr22-41125868-G-A. GRCh37 (hg19) VCF-style: chr22-41521872-G-A.
Other names: c.734G>A, p.Gly245Glu (NM_001362843.2); short protein forms G245E.
Identifiers: ClinVar variation 2036376 (VCV002036376.4), dbSNP rs2058879102, ClinGen allele CA411683057.
Genomic context (GRCh38, chr22:41,125,868, plus strand): 5'-TAATAATGTCTTAAATTTTATTGCTTATTTTGTTTTCTTTTGTTTCTTACTCTTAGATGG[G>A]AATGATGAACAACCCCAATCCTTATGGTTCACCATATACTCAGAATCCTGGACAGCAGAT-3'
Protein context (NP_001420.2, residues 235-255): GLRGPQPLKM[Gly245Glu]MMNNPNPYGS

ClinVar aggregate classification (germline): Uncertain significance (1 of 4 stars; one submission).

Conditions:
Rubinstein-Taybi syndrome due to EP300 haploinsufficiency. Also called: EP300-Related Rubinstein-Taybi Syndrome; RUBINSTEIN-TAYBI SYNDROME 2. Identifiers: Orphanet 353284, Orphanet 783, MedGen C3150941, MONDO:0013364, OMIM 613684.

Submission:

Labcorp Genetics (formerly Invitae), Labcorp
Classification: Uncertain significance for Rubinstein-Taybi syndrome due to EP300 haploinsufficiency. Last evaluated: 2022-11-19. Review status: criteria provided, single submitter. Criteria: Invitae Variant Classification Sherloc (09022015). Collection method: clinical testing. Allele origin: germline.
Comment: In summary, the available evidence is currently insufficient to determine the role of this variant in disease. Therefore, it has been classified as a Variant of Uncertain Significance. Advanced modeling of protein sequence and biophysical properties (such as structural, functional, and spatial information, amino acid conservation, physicochemical variation, residue mobility, and thermodynamic stability) performed at Invitae indicates that this missense variant is not expected to disrupt EP300 protein function. This variant has not been reported in the literature in individuals affected with EP300-related conditions. This variant is not present in population databases (gnomAD no frequency). This sequence change replaces glycine, which is neutral and non-polar, with glutamic acid, which is acidic and polar, at codon 245 of the EP300 protein (p.Gly245Glu).